The following is an entry in ClinVar:

ClinVar aggregate classification (germline): Pathogenic/Likely pathogenic. Review status: criteria provided, multiple submitters, no conflicts (2 of 4 stars). 2 submissions from 2 submitters: Pathogenic (1); Likely pathogenic (1). Last evaluated 2024-02-29.

Conditions:
Autosomal recessive limb-girdle muscular dystrophy type 2A (LGMDR1). Also called: Limb-girdle muscular dystrophy, type 2A; Calpainopathy; LEYDEN-MOEBIUS MUSCULAR DYSTROPHY; MUSCULAR DYSTROPHY, PELVOFEMORAL; Muscular dystrophy, limb-girdle, type 2A, Amish. Identifiers: Orphanet 267, MedGen C1869123, MONDO:0009675, OMIM 253600. Disease mechanism: loss of function.

Submissions (2):

Natera, Inc.
Classification: Pathogenic for Limb-girdle muscular dystrophy type 2A. Last evaluated: 2024-02-29. Review status: criteria provided, single submitter. Criteria: Natera Variant Classification Schema (03/2026). Collection method: clinical testing. Allele origin: germline.
Comment: The c.727dupG variant in CAPN3 is a frameshift variant predicted to shift the reading frame beginning at codon 243 and leads to a stop codon 4 codons downstream. This variant is expected to result in nonsense mediated decay, truncation, or a dysfunctional protein product. This variant is rare in the general population with a frequency below the threshold expected for the associated phenotype(s). This variant has been observed in one or more individuals affected with the associated recessive disease, as either homozygous or compound heterozygous with a second variant (PMID: 28403181). Given the available evidence, this variant is classified as Pathogenic.

Juno Genomics, Hangzhou Juno Genomics, Inc
Classification: Likely pathogenic for Autosomal recessive limb-girdle muscular dystrophy type 2A. Review status: criteria provided, single submitter. Criteria: ACMG Guidelines, 2015. Collection method: clinical testing. Allele origin: germline.
Comment: Null variant in a gene where loss of function (LOF) is a known mechanism of disease.;Absent from controls (or at extremely low frequency if recessive) in Genome Aggregation Database.

Literature cited by the submitters: PubMed 28403181 (cited by Natera, Inc.).

NM_000070.3(CAPN3):c.727dup (p.Asp243fs)

Gene: CAPN3 (calpain 3; plus strand). Cytogenetic location: 15q15.1.
Variant type: Duplication.
Coding change: c.727dup on transcript NM_000070.3 (MANE Select); coding-DNA position 727, one base duplicated (G; older notation c.727dupG).
Protein change: p.Asp243fs; shifts the reading frame from aspartic acid 243.
Molecular consequence: frameshift variant.
Genome position (GRCh38, 1-based): chr15:42,389,022, G duplicated; the last of 3 consecutive G bases (chr15:42,389,020-42,389,022); duplicating any one gives the same sequence. VCF-style (leftmost placement, unchanged base first): chr15-42389019-A-AG. GRCh37 (hg19) VCF-style: chr15-42681217-A-AG.
Other names: c.727dup, p.Asp243fs (NM_024344.2, NM_173087.2); short protein forms D243fs.
Identifiers: ClinVar variation 4816390 (VCV004816390.3).